The following is an entry in ClinVar:

NM_001267550.2(TTN):c.46129C>T (p.Gln15377Ter)

Gene: TTN (titin; minus strand). Cytogenetic location: 2q31.2.
Variant type: single nucleotide variant.
Coding change: c.46129C>T on transcript NM_001267550.2 (MANE Select); coding-DNA position 46129, C replaced by T.
Protein change: p.Gln15377Ter; replaces glutamine 15377 with a stop codon.
Molecular consequence: nonsense.
Genome position (GRCh38, 1-based): chr2:178,620,392, G>A on the plus strand (C>T on the coding strand, the complement: TTN is on the minus strand). VCF-style: chr2-178620392-G-A. GRCh37 (hg19) VCF-style: chr2-179485119-G-A.
Other names: c.41206C>T, p.Gln13736Ter (NM_001256850.1); c.18934C>T, p.Gln6312Ter (NM_003319.4); c.38425C>T, p.Gln12809Ter (NM_133378.4); c.19309C>T, p.Gln6437Ter (NM_133432.3); c.19510C>T, p.Gln6504Ter (NM_133437.4); short protein forms Q13736*, Q6437*, Q12809*, Q6312*, Q15377*, Q6504*.
Identifiers: ClinVar variation 4784995 (VCV004784995.1).
Genomic context (GRCh38, chr2:178,620,392, plus strand): 5'-AGTGTTCCACAAATTCTGTCGGGGCTTCTATGATGAGAAGCTCAGCAACAGATTTATCTT[G>A]TCCAGCAGTGACAATGTATTCACCTTCATCTGGGAAGCCACAGTCTTTAATGGTTAACAT-3'

ClinVar aggregate classification (germline): Likely pathogenic (1 of 4 stars; one submission).

Conditions:
Autosomal recessive limb-girdle muscular dystrophy type 2J (LGMDR10). Also called: Limb-girdle muscular dystrophy, type 2J; MUSCULAR DYSTROPHY, LIMB-GIRDLE, AUTOSOMAL RECESSIVE 10. Identifiers: Orphanet 140922, MedGen C1837342, MONDO:0012127, OMIM 608807.
Dilated cardiomyopathy 1G (CMD1G). Identifiers: Orphanet 154, MedGen C1858763, MONDO:0011400, OMIM 604145.

Submission:

Labcorp Genetics (formerly Invitae), Labcorp
Classification: Likely pathogenic for Dilated cardiomyopathy 1G; Autosomal recessive limb-girdle muscular dystrophy type 2J. Last evaluated: 2025-05-13. Review status: criteria provided, single submitter. Criteria: Invitae Variant Classification Sherloc (09022015). Collection method: clinical testing. Allele origin: germline.
Comment: This sequence change creates a premature translational stop signal (p.Gln15377*) in the TTN gene. While this is not anticipated to result in nonsense mediated decay, it is expected to create a truncated TTN protein. This variant is not present in population databases (gnomAD no frequency). This variant has not been reported in the literature in individuals affected with TTN-related conditions. This variant is located in the I band of TTN (PMID: 25589632). Truncating variants in this region have been reported in individuals affected with autosomal recessive centronuclear myopathy (PMID: 23975875, internal data). Truncating variants in this region have also been identified in individuals affected with autosomal dominant dilated cardiomyopathy and/or cardio-related conditions (PMID: 27869827, 32964742, internal data). In summary, the currently available evidence indicates that the variant is pathogenic, but additional data are needed to prove that conclusively. Therefore, this variant has been classified as Likely Pathogenic.

Literature cited by the submitters: PubMed 25589632; PubMed 23975875; PubMed 27869827; PubMed 32964742.